The following is an entry in ClinVar:

NM_000286.3(PEX12):c.151_154del (p.His51fs)

Gene: PEX12 (peroxisomal biogenesis factor 12; minus strand). Cytogenetic location: 17q12.
Variant type: Deletion.
Coding change: c.151_154del on transcript NM_000286.3 (MANE Select); coding-DNA positions 151 to 154, 4 bases deleted (CACT; older notation c.151_154delCACT).
Protein change: p.His51fs; shifts the reading frame from histidine 51.
Molecular consequence: frameshift variant.
Genome position (GRCh38, 1-based): chr17:35,577,564-35,577,567, AGTG deleted on the plus strand (CACT on the coding strand, the reverse complement: PEX12 is on the minus strand). VCF-style (leftmost placement, unchanged base first): chr17-35577563-TAGTG-T. GRCh37 (hg19) VCF-style: chr17-33904582-TAGTG-T.
Other names: short protein forms H51fs.
Identifiers: ClinVar variation 1416654 (VCV001416654.6), dbSNP rs2142231234, ClinGen allele CA2573153725.

ClinVar aggregate classification (germline): Pathogenic (1 of 4 stars; one submission).

Conditions:
Peroxisome biogenesis disorder 3A (Zellweger). Also called: PEROXISOMAL BIOGENESIS DISORDER 3A (ZELLWEGER); Peroxisome biogenesis disorder 3A. Identifiers: Orphanet 912, MedGen C3553929, MONDO:0013927, OMIM 614859.

Allele frequency attached by ClinVar (database versions not stated): gnomAD exomes below 0.00001.

Submission:

Labcorp Genetics (formerly Invitae), Labcorp
Classification: Pathogenic for Peroxisome biogenesis disorder 3A (Zellweger). Last evaluated: 2021-05-19. Review status: criteria provided, single submitter. Criteria: Invitae Variant Classification Sherloc (09022015). Collection method: clinical testing. Allele origin: germline.
Comment: For these reasons, this variant has been classified as Pathogenic. This variant has not been reported in the literature in individuals with PEX12-related conditions. This variant is not present in population databases (ExAC no frequency). This sequence change creates a premature translational stop signal (p.His51Metfs*15) in the PEX12 gene. It is expected to result in an absent or disrupted protein product. Loss-of-function variants in PEX12 are known to be pathogenic (PMID: 9090384, 9632816, 21031596).

Literature cited by the submitters: PubMed 9090384; PubMed 9632816; PubMed 21031596.